The following is an entry in ClinVar:

NM_015311.3(OBSL1):c.3283G>A (p.Ala1095Thr)

Gene: OBSL1 (obscurin like cytoskeletal adaptor 1; minus strand). Cytogenetic location: 2q35.
Variant type: single nucleotide variant.
Coding change: c.3283G>A on transcript NM_015311.3 (MANE Select); coding-DNA position 3283, G replaced by A.
Protein change: p.Ala1095Thr; replaces alanine 1095 with threonine.
Molecular consequence: missense variant.
Genome position (GRCh38, 1-based): chr2:219,558,403, C>T on the plus strand (G>A on the coding strand, the complement: OBSL1 is on the minus strand). VCF-style: chr2-219558403-C-T. GRCh37 (hg19) VCF-style: chr2-220423125-C-T.
Other names: c.3283G>A, p.Ala1095Thr (NM_001173431.2); short protein forms A1095T.
Identifiers: ClinVar variation 282995 (VCV000282995.23), dbSNP rs186692362, ClinGen allele CA2130908.

ClinVar aggregate classification (germline): Benign/Likely benign. Review status: criteria provided, multiple submitters, no conflicts (2 of 4 stars). 7 submissions from 7 submitters: Benign (4); Likely benign (3). Last evaluated 2026-09-01.

Conditions:
3M syndrome 2. Also called: 3-M Syndrome, OBSL1-Related; THREE M SYNDROME 2. Identifiers: Orphanet 2616, MedGen C2752041, MONDO:0013039, OMIM 612921.

Allele frequency attached by ClinVar (database versions not stated): gnomAD exomes 0.00036 and 0.00090; ExAC 0.00145; 1000 Genomes Project 30x 0.00219; 1000 Genomes Project 0.00220; ESP Exome Variant Server 0.00294; gnomAD 0.00359 and 0.00388; TOPMed 0.00411.
gnomAD v4.1: 1,098 of 1,604,396 alleles (0.068%); highest among the groups gnomAD compares: African/African-American, 1.3%; 7 homozygotes.

Submissions (7):

CeGaT Center for Human Genetics Tuebingen
Classification: Likely benign. Last evaluated: 2026-09-01. Review status: criteria provided, single submitter. Criteria: CeGaT Center For Human Genetics Tuebingen Variant Classification Criteria Version 2. Collection method: clinical testing. Allele origin: germline. Affected: yes. Observed: 1 variant allele.
Comment: OBSL1: BS1

Women's Health and Genetics/Laboratory Corporation of America, LabCorp
Classification: Likely benign. Last evaluated: 2026-06-04. Review status: criteria provided, single submitter. Criteria: LabCorp Variant Classification Summary - May 2015. Collection method: clinical testing. Allele origin: germline.
Comment: Variant summary: OBSL1 c.3283G>A (p.Ala1095Thr) results in a non-conservative amino acid change in the encoded protein sequence. Algorithms developed to predict the effect of missense changes on protein structure and function are either unavailable or do not agree on the potential impact of this missense change. The variant allele was found at a frequency of 0.0009 in 225668 control chromosomes, predominantly at a frequency of 0.014 within the African or African-American subpopulation in the gnomAD database. The observed variant frequency within African or African-American control individuals in the gnomAD database exceeds the estimated maximal expected allele frequency for disease-causing variants in OBSL1. To our knowledge, no occurrence of c.3283G>A in individuals affected with OBSL1-related conditions and no experimental evidence demonstrating its impact on protein function have been reported. ClinVar contains an entry for this variant (Variation ID: 282995). Based on the evidence outlined above, the variant was classified as likely benign.

Labcorp Genetics (formerly Invitae), Labcorp
Classification: Benign. Last evaluated: 2026-01-28. Review status: criteria provided, single submitter. Criteria: Invitae Variant Classification Sherloc (09022015). Collection method: clinical testing. Allele origin: germline.

Blueprint Genetics
Classification: Likely benign. Last evaluated: 2024-07-05. Review status: criteria provided, single submitter. Criteria: ACMG Guidelines, 2015. Collection method: clinical testing. Allele origin: germline.

Illumina Laboratory Services, Illumina
Classification: Benign for 3M syndrome 2. Last evaluated: 2018-01-13. Review status: criteria provided, single submitter. Criteria: ICSL Variant Classification Criteria 13 December 2019. Collection method: clinical testing. Allele origin: germline.
Comment: This variant was observed in the ICSL laboratory as part of a predisposition screen in an ostensibly healthy population. It had not been previously curated by ICSL or reported in the Human Gene Mutation Database (HGMD: prior to June 1st, 2018), and was therefore a candidate for classification through an automated scoring system. Utilizing variant allele frequency, disease prevalence and penetrance estimates, and inheritance mode, an automated score was calculated to assess if this variant is too frequent to cause the disease. Based on the score and internal cut-off values, a variant classified as benign is not then subjected to further curation. The score for this variant resulted in a classification of benign for this disease.

Eurofins Ntd Llc (ga)
Classification: Benign. Last evaluated: 2015-09-15. Review status: criteria provided, single submitter. Criteria: EGL Classification Definitions 2015. Collection method: clinical testing. Allele origin: germline. Observed: 1 variant allele, 1 heterozygote.

Breakthrough Genomics
Classification: Benign. Review status: criteria provided, single submitter. Criteria: ACMG Guidelines, 2015. Collection method: not provided. Allele origin: germline. Inheritance: Autosomal recessive inheritance. Affected: yes.